The following is an entry in ClinVar:

NM_000548.5(TSC2):c.2216C>G (p.Ser739Cys)

Gene: TSC2 (TSC complex subunit 2; plus strand). Cytogenetic location: 16p13.3.
Variant type: single nucleotide variant.
Coding change: c.2216C>G on transcript NM_000548.5 (MANE Select); coding-DNA position 2216, C replaced by G.
Protein change: p.Ser739Cys; replaces serine 739 with cysteine.
Molecular consequence: missense variant.
Genome position (GRCh38, 1-based): chr16:2,072,359, C>G. VCF-style: chr16-2072359-C-G. GRCh37 (hg19) VCF-style: chr16-2122360-C-G.
Other names: c.2216C>G, p.Ser739Cys (NM_001077183.3, NM_001114382.3, NM_001363528.2 and 6 more transcripts); c.2105C>G, p.Ser702Cys (NM_001318827.2, NM_001406670.1, NM_001406678.1); c.2069C>G, p.Ser690Cys (NM_001318829.2, NM_001406675.1, NM_001406676.1 and 1 more transcripts); c.1616C>G, p.Ser539Cys (NM_001318831.2, NM_001406688.1, NM_001406680.1 and 6 more transcripts); c.2249C>G, p.Ser750Cys (NM_001318832.2); c.2306C>G, p.Ser769Cys (NM_001406667.1, NM_001406668.1); c.2204C>G, p.Ser735Cys (NM_001406671.1, NM_001406673.1); c.2159C>G, p.Ser720Cys (NM_001406677.1); and 3 more; short protein forms S205C, S750C, S291C, S585C, S739C, S539C, S690C, S735C.
Identifiers: ClinVar variation 2016189 (VCV002016189.4), dbSNP rs2151319715, ClinGen allele CA394275162.

ClinVar aggregate classification (germline): Uncertain significance (1 of 4 stars; one submission).

Conditions:
Tuberous sclerosis 2 (TSC2). Identifiers: Orphanet 805, MedGen C1860707, MONDO:0013199, OMIM 613254.

Submission:

Labcorp Genetics (formerly Invitae), Labcorp
Classification: Uncertain significance for Tuberous sclerosis 2. Last evaluated: 2025-07-02. Review status: criteria provided, single submitter. Criteria: Invitae Variant Classification Sherloc (09022015). Collection method: clinical testing. Allele origin: germline.
Comment: This sequence change replaces serine, which is neutral and polar, with cysteine, which is neutral and slightly polar, at codon 739 of the TSC2 protein (p.Ser739Cys). This variant is not present in population databases (gnomAD no frequency). This variant has not been reported in the literature in individuals affected with TSC2-related conditions. ClinVar contains an entry for this variant (Variation ID: 2016189). Invitae Evidence Modeling of protein sequence and biophysical properties (such as structural, functional, and spatial information, amino acid conservation, physicochemical variation, residue mobility, and thermodynamic stability) indicates that this missense variant is not expected to disrupt TSC2 protein function with a negative predictive value of 95%. In summary, the available evidence is currently insufficient to determine the role of this variant in disease. Therefore, it has been classified as a Variant of Uncertain Significance.